The following is an entry in ClinVar:

ClinVar aggregate classification (germline): Uncertain significance (1 of 4 stars; one submission).

Submission:

Labcorp Genetics (formerly Invitae), Labcorp
Classification: Uncertain significance. Last evaluated: 2022-06-28. Review status: criteria provided, single submitter. Criteria: Invitae Variant Classification Sherloc (09022015). Collection method: clinical testing. Allele origin: germline.
Comment: In summary, the available evidence is currently insufficient to determine the role of this variant in disease. Therefore, it has been classified as a Variant of Uncertain Significance. Algorithms developed to predict the effect of missense changes on protein structure and function are either unavailable or do not agree on the potential impact of this missense change (SIFT: "Deleterious"; PolyPhen-2: "Possibly Damaging"; Align-GVGD: "Class C0"). This variant has not been reported in the literature in individuals affected with ERCC3-related conditions. This variant is not present in population databases (gnomAD no frequency). This sequence change replaces leucine, which is neutral and non-polar, with valine, which is neutral and non-polar, at codon 76 of the ERCC3 protein (p.Leu76Val).

NM_000122.2(ERCC3):c.226C>G (p.Leu76Val)

Gene: ERCC3 (ERCC excision repair 3, TFIIH core complex helicase subunit; minus strand). Cytogenetic location: 2q14.3.
Variant type: single nucleotide variant.
Coding change: c.226C>G on transcript NM_000122.2 (MANE Select); coding-DNA position 226, C replaced by G.
Protein change: p.Leu76Val; replaces leucine 76 with valine.
Molecular consequence: missense variant.
Genome position (GRCh38, 1-based): chr2:127,293,521, G>C on the plus strand (C>G on the coding strand, the complement: ERCC3 is on the minus strand). VCF-style: chr2-127293521-G-C. GRCh37 (hg19) VCF-style: chr2-128051097-G-C.
Other names: c.34C>G, p.Leu12Val (NM_001303416.2, NM_001303418.2); short protein forms L12V, L76V.
Identifiers: ClinVar variation 1492971 (VCV001492971.5), dbSNP rs1685350770, ClinGen allele CA348391998.
Genomic context (GRCh38, chr2:127,293,521, plus strand): 5'-AGCTGCCGCTCCGCACACTCCTGGGCCCTGCCCAAGCTAAGGGCATGCTTACCACCCAGA[G>C]GGGCCTGGAGGTGTGGTCGTCCTTCAGCGGCATTTGCAGCCTGTAGTCCTTGGCTCCATA-3'
Protein context (NP_000113.1, residues 66-86): PLKDDHTSRP[Leu76Val]WVAPDGHIFL